The following is an entry in ClinVar:

NM_001113491.2(SEPTIN9):c.76+12362T>G

Gene: SEPTIN9 (septin 9; plus strand). Cytogenetic location: 17q25.3.
Variant type: single nucleotide variant.
Coding change: c.76+12362T>G on transcript NM_001113491.2 (MANE Select); 12362 bases into the intron after coding-DNA position 76, T replaced by G.
Molecular consequence: intron variant. On other transcripts: 5 prime UTR variant (1).
Genome position (GRCh38, 1-based): chr17:77,319,559, T>G. VCF-style: chr17-77319559-T-G. GRCh37 (hg19) VCF-style: chr17-75315641-T-G.
Other names: c.-768T>G (NM_006640.5); c.19+38005T>G (NM_001293695.2); c.-417+12362T>G (NM_001113492.2).
Identifiers: ClinVar variation 325528 (VCV000325528.5), dbSNP rs370236963, ClinGen allele CA10651135.

ClinVar aggregate classification (germline): Benign (1 of 4 stars; one submission).

Conditions:
Amyotrophic neuralgia (HNA). Also called: AMYOTROPHY, HEREDITARY NEURALGIC; Hereditary Brachial Plexus Neuropathy; Neuritis with Brachial Predilection; AMYOTROPHY, HEREDITARY NEURALGIC, WITH PREDILECTION FOR BRACHIAL PLEXUS. Identifiers: Orphanet 2901, MedGen C1834304, MONDO:0008076, OMIM 162100.

Allele frequency attached by ClinVar (database versions not stated): gnomAD 0.00026 and 0.00102; TOPMed 0.00034; gnomAD exomes 0.00052; 1000 Genomes Project 0.00579; 1000 Genomes Project 30x 0.00609.
gnomAD v4.1: 697 of 1,055,442 alleles (0.066%); highest among the groups gnomAD compares: South Asian, 2.5%; 12 homozygotes.

Submission:

Illumina Laboratory Services, Illumina
Classification: Benign for Amyotrophy, hereditary neuralgic. Last evaluated: 2018-01-12. Review status: criteria provided, single submitter. Criteria: ICSL Variant Classification Criteria 13 December 2019. Collection method: clinical testing. Allele origin: germline.
Comment: This variant was observed in the ICSL laboratory as part of a predisposition screen in an ostensibly healthy population. It had not been previously curated by ICSL or reported in the Human Gene Mutation Database (HGMD: prior to June 1st, 2018), and was therefore a candidate for classification through an automated scoring system. Utilizing variant allele frequency, disease prevalence and penetrance estimates, and inheritance mode, an automated score was calculated to assess if this variant is too frequent to cause the disease. Based on the score and internal cut-off values, a variant classified as benign is not then subjected to further curation. The score for this variant resulted in a classification of benign for this disease.